The following is an entry in ClinVar:

NM_139027.6(ADAMTS13):c.687-8C>A

Gene: ADAMTS13 (ADAM metallopeptidase with thrombospondin type 1 motif 13; plus strand). Cytogenetic location: 9q34.2.
Variant type: single nucleotide variant.
Coding change: c.687-8C>A on transcript NM_139027.6 (MANE Select); 8 bases into the intron before coding-DNA position 687, C replaced by A.
Molecular consequence: intron variant.
Genome position (GRCh38, 1-based): chr9:133,428,626, C>A. VCF-style: chr9-133428626-C-A. GRCh37 (hg19) VCF-style: chr9-136293746-C-A.
Other names: c.687-8C>A (NM_139025.5, NM_139026.6).
Identifiers: ClinVar variation 2715556 (VCV002715556.7), dbSNP rs898957135, ClinGen allele CA1882668719.

ClinVar aggregate classification (germline): Conflicting classifications of pathogenicity. Review status: criteria provided, conflicting classifications (1 of 4 stars). 2 submissions from 2 submitters: Uncertain significance (1); Likely benign (1). Last evaluated 2025-10-13.

gnomAD v4.1: 15 of 1,315,166 alleles (0.0011%); highest among the groups gnomAD compares: Non-Finnish European, 0.0014%; no homozygotes.

Submissions (2):

Labcorp Genetics (formerly Invitae), Labcorp
Classification: Likely benign. Last evaluated: 2025-10-13. Review status: criteria provided, single submitter. Criteria: Invitae Variant Classification Sherloc (09022015). Collection method: clinical testing. Allele origin: germline.

Women's Health and Genetics/Laboratory Corporation of America, LabCorp
Classification: Uncertain significance. Last evaluated: 2025-04-30. Review status: criteria provided, single submitter. Criteria: LabCorp Variant Classification Summary - May 2015. Collection method: clinical testing. Allele origin: germline.
Comment: Variant summary: ADAMTS13 c.687-8C>A alters a non-conserved nucleotide located close to a canonical splice site and therefore could affect mRNA splicing, leading to a significantly altered protein sequence. Several computational tools predict a significant impact on normal splicing: Two predict the variant weakens a 3' acceptor site. However, these predictions have yet to be confirmed by functional studies. The variant was absent in 1315166 control chromosomes. The available data on variant occurrences in the general population are insufficient to allow any conclusion about variant significance. To our knowledge, no occurrence of c.687-8C>A in individuals affected with Thrombotic Thrombocytopenic Purpura and no experimental evidence demonstrating its impact on protein function have been reported. ClinVar contains an entry for this variant (Variation ID: 2715556). Based on the evidence outlined above, the variant was classified as uncertain significance.